The following is an entry in ClinVar:

NM_000257.4(MYH7):c.3099+175A>G

Gene: MYH7 (myosin heavy chain 7; minus strand). Cytogenetic location: 14q11.2.
Variant type: single nucleotide variant.
Coding change: c.3099+175A>G on transcript NM_000257.4 (MANE Select); 175 bases into the intron after coding-DNA position 3099, A replaced by G.
Molecular consequence: intron variant.
Genome position (GRCh38, 1-based): chr14:23,423,372, T>C on the plus strand (A>G on the coding strand, the complement: MYH7 is on the minus strand). VCF-style: chr14-23423372-T-C. GRCh37 (hg19) VCF-style: chr14-23892581-T-C.
Identifiers: ClinVar variation 671383 (VCV000671383.1), dbSNP rs8019322, ClinGen allele CA257818557.

ClinVar aggregate classification (germline): Benign (1 of 4 stars; one submission).

Allele frequency attached by ClinVar (database versions not stated): 1000 Genomes Project 0.32388; 1000 Genomes Project 30x 0.33120; gnomAD 0.38332; TOPMed 0.39127.
gnomAD v4.1: 57,533 of 151,142 alleles (38%); highest among the groups gnomAD compares: African/African-American, 63%; 12,899 homozygotes.

Submission:

GeneDx
Classification: Benign. Last evaluated: 2018-06-14. Review status: criteria provided, single submitter. Criteria: GeneDx Variant Classification (06012015). Collection method: clinical testing. Allele origin: germline. Affected: yes.
Comment: This variant is considered likely benign or benign based on one or more of the following criteria: it is a conservative change, it occurs at a poorly conserved position in the protein, it is predicted to be benign by multiple in silico algorithms, and/or has population frequency not consistent with disease.